The following is an entry in ClinVar:

NM_194277.3(FRMD7):c.677C>T (p.Ala226Val)

Gene: FRMD7 (FERM domain containing 7; minus strand). Cytogenetic location: Xq26.2.
Variant type: single nucleotide variant.
Coding change: c.677C>T on transcript NM_194277.3 (MANE Select); coding-DNA position 677, C replaced by T.
Protein change: p.Ala226Val; replaces alanine 226 with valine.
Molecular consequence: missense variant.
Genome position (GRCh38, 1-based): chrX:132,084,554, G>A on the plus strand (C>T on the coding strand, the complement: FRMD7 is on the minus strand). VCF-style: chrX-132084554-G-A. GRCh37 (hg19) VCF-style: chrX-131218582-G-A.
Other names: c.632C>T, p.Ala211Val (NM_001306193.2); short protein forms A211V, A226V.
Identifiers: ClinVar variation 5020560 (VCV005020560.1).
Genomic context (GRCh38, chrX:132,084,554, plus strand): 5'-ATATTGGCATGAAGTTTGATGAGAAAATGCTTTCTCTTAAAACTCAACTTGCGGATTTTA[G>A]CCCAGTTAAAAGTATTGATCTTTGTATTTCCCTACAATGAAAAATGTGGCAGATTTCAGA-3'
Protein context (NP_919253.1, residues 216-236): GNTKINTFNW[Ala226Val]KIRKLSFKRK

ClinVar aggregate classification (germline): Uncertain significance (1 of 4 stars; one submission).

Submission:

Dasa
Classification: Uncertain significance. Last evaluated: 2026-05-15. Review status: criteria provided, single submitter. Criteria: DASA Assertion Criteria. Collection method: clinical testing. Allele origin: germline.
Comment: NM_194277.3(FRMD7):c.677C>T (p.Ala226Val) is a missense variant that results in the substitution of alanine with valine. This variant is rare in population databases. Computational prediction algorithms are consistent with a deleterious effect. The currently available literature and clinical evidence are not sufficient to establish a definitive association between this variant and the reported condition. Therefore, this variant is classified as a variant of uncertain significance.